The following is an entry in ClinVar:

NM_015512.5(DNAH1):c.4085G>T (p.Arg1362Leu)

Gene: DNAH1 (dynein axonemal heavy chain 1; plus strand). Cytogenetic location: 3p21.1.
Variant type: single nucleotide variant.
Coding change: c.4085G>T on transcript NM_015512.5 (MANE Select); coding-DNA position 4085, G replaced by T.
Protein change: p.Arg1362Leu; replaces arginine 1362 with leucine.
Molecular consequence: missense variant.
Genome position (GRCh38, 1-based): chr3:52,358,002, G>T. VCF-style: chr3-52358002-G-T. GRCh37 (hg19) VCF-style: chr3-52392018-G-T.
Other names: short protein forms R1362L.
Identifiers: ClinVar variation 402609 (VCV000402609.4), dbSNP rs201355893, ClinGen allele CA2433795.

ClinVar aggregate classification (germline): Uncertain significance (1 of 4 stars; one submission).

Allele frequency attached by ClinVar (database versions not stated): 1000 Genomes Project 30x 0.00016; 1000 Genomes Project 0.00020; TOPMed 0.00023.
gnomAD v4.1: 380 of 1,601,442 alleles (0.024%); highest among the groups gnomAD compares: Middle Eastern, 0.033%; no homozygotes.

Submission:

Laboratory for Molecular Medicine, Mass General Brigham Personalized Medicine
Classification: Uncertain significance. Last evaluated: 2016-03-29. Review status: criteria provided, single submitter. Criteria: LMM Criteria. Collection method: clinical testing. Allele origin: germline.
Comment: Variant identified in a genome or exome case(s) and assessed due to predicted null impact of the variant or pathogenic assertions in the literature or databases. Disclaimer: This variant has not undergone full assessment. The following are preliminary notes: At least 1 variant in this gene has been reported in a PCD patient, however the only LOF variants in HGMD caused sperm motility defects without respiratory phenotype. Potential impact to splicing, but no other suspicious variants in this gene. -OB 10/21/15: VUS4. Limited evidence on whether the gene is related to disease and unclear whether it is associated with pulmonary phenotype. Heterozygous variant in recessive gene. Does not meet criteria for reporting.